The following is an entry in ClinVar:

ClinVar aggregate classification (germline): Likely pathogenic (1 of 4 stars; one submission).

Conditions:
Autosomal recessive limb-girdle muscular dystrophy type 2J (LGMDR10). Also called: Limb-girdle muscular dystrophy, type 2J; MUSCULAR DYSTROPHY, LIMB-GIRDLE, AUTOSOMAL RECESSIVE 10. Identifiers: Orphanet 140922, MedGen C1837342, MONDO:0012127, OMIM 608807.
Dilated cardiomyopathy 1G (CMD1G). Identifiers: Orphanet 154, MedGen C1858763, MONDO:0011400, OMIM 604145.

Submission:

Labcorp Genetics (formerly Invitae), Labcorp
Classification: Likely pathogenic for Dilated cardiomyopathy 1G; Autosomal recessive limb-girdle muscular dystrophy type 2J. Last evaluated: 2025-06-10. Review status: criteria provided, single submitter. Criteria: Invitae Variant Classification Sherloc (09022015). Collection method: clinical testing. Allele origin: germline.
Comment: This sequence change inserts a large fragment of DNA, likely a transposable element, in exon 339 of the TTN gene (c.94142_94143ins?), causing a frameshift at codon 31381 (p.Phe31381fs). The exact size and sequence of the insertion cannot be determined by the current assay. While this is not anticipated to result in nonsense mediated decay, it is expected to create a truncated TTN protein. This variant is not present in population databases (gnomAD no frequency). A similar variant has been observed in individual(s) with dilated cardiomyopathy (internal data). This variant is located in the A band of TTN (PMID: 25589632). Truncating variants in this region are significantly overrepresented in patients affected with dilated cardiomyopathy (PMID: 25589632). Truncating variants in this region have also been reported in individuals affected with autosomal recessive centronuclear myopathy (PMID: 23975875). Retrotransposon insertions including LINE1 (L1), Alu, and SVA (SINE-VNTR-Alu) have been reported to disrupt protein function (PMID: 19763152, 20307669, 22406018). However the effect of this particular variant is unknown. In summary, the currently available evidence indicates that the variant is pathogenic, but additional data are needed to prove that conclusively. Therefore, this variant has been classified as Likely Pathogenic.

Literature cited by the submitters: PubMed 25589632; PubMed 23975875; PubMed 19763152; PubMed 20307669; PubMed 22406018.

NM_001267550.2(TTN):c.94142_94143insTTTTTTTTTTTTTTTTTTTTNNNNNNNNNNACCTCATGATCCACCCGCCTCGGCCTCCCAAAGTGCTGGGATTACAGGCGTGAGCCACCGCGCCCGGCCGGAATATTCTTT (p.Phe31381_Arg31382insPhePhePhePhePhePheXaaXaaXaaXaaProHisAspProProAlaSerAlaSerGlnSerAlaGlyIleThrGlyValSerHisArgAlaArgProGluTyrSerPhe)

Genes: TTN (titin; minus strand), TTN-AS1 (TTN antisense RNA 1; plus strand). Cytogenetic location: 2q31.2.
Variant type: Insertion.
Coding change: c.94142_94143insTTTTTTTTTTTTTTTTTTTTNNNNNNNNNNACCTCATGATCCACCCGCCTCGGCCTCCCAAAGTGCTGGGATTACAGGCGTGAGCCACCGCGCCCGGCCGGAATATTCTTT on transcript NM_001267550.2 (MANE Select); coding-DNA positions 94142 to 94143, TTTTTTTTTTTTTTTTTTTTNNNNNNNNNNACCTCATGATCCACCCGCCTCGGCCTCCCAAAGTGCTGGGATTACAGGCGTGAGCCACCGCGCCCGGCCGGAATATTCTTT inserted.
Protein change: p.Phe31381_Arg31382insPhePhePhePhePhePheXaaXaaXaaXaaProHisAspProProAlaSerAlaSerGlnSerAlaGlyIleThrGlyValSerHisArgAlaArgProGluTyrSerPhe.
Genome position: GRCh38: chr2:178,547,495-178,547,496. GRCh37 (hg19): chr2:179,412,222-179,412,223.
Other names: c.89219_89220insTTTTTTTTTTTTTTTTTTTTNNNNNNNNNNACCTCATGATCCACCCGCCTCGGCCTCCCAAAGTGCTGGGATTACAGGCGTGAGCCACCGCGCCCGGCCGGAATATTCTTT, p.Phe29740_Arg29741insPhePhePhePhePhePheXaaXaaXaaXaaProHisAspProProAlaSerAlaSerGlnSerAlaGlyIleThrGlyValSerHisArgAlaArgProGluTyrSerPhe (NM_001256850.1); c.66947_66948insTTTTTTTTTTTTTTTTTTTTNNNNNNNNNNACCTCATGATCCACCCGCCTCGGCCTCCCAAAGTGCTGGGATTACAGGCGTGAGCCACCGCGCCCGGCCGGAATATTCTTT, p.Phe22316_Arg22317insPhePhePhePhePhePheXaaXaaXaaXaaProHisAspProProAlaSerAlaSerGlnSerAlaGlyIleThrGlyValSerHisArgAlaArgProGluTyrSerPhe (NM_003319.4); c.86438_86439insTTTTTTTTTTTTTTTTTTTTNNNNNNNNNNACCTCATGATCCACCCGCCTCGGCCTCCCAAAGTGCTGGGATTACAGGCGTGAGCCACCGCGCCCGGCCGGAATATTCTTT, p.Phe28813_Arg28814insPhePhePhePhePhePheXaaXaaXaaXaaProHisAspProProAlaSerAlaSerGlnSerAlaGlyIleThrGlyValSerHisArgAlaArgProGluTyrSerPhe (NM_133378.4); c.67322_67323insTTTTTTTTTTTTTTTTTTTTNNNNNNNNNNACCTCATGATCCACCCGCCTCGGCCTCCCAAAGTGCTGGGATTACAGGCGTGAGCCACCGCGCCCGGCCGGAATATTCTTT, p.Phe22441_Arg22442insPhePhePhePhePhePheXaaXaaXaaXaaProHisAspProProAlaSerAlaSerGlnSerAlaGlyIleThrGlyValSerHisArgAlaArgProGluTyrSerPhe (NM_133432.3); c.67523_67524insTTTTTTTTTTTTTTTTTTTTNNNNNNNNNNACCTCATGATCCACCCGCCTCGGCCTCCCAAAGTGCTGGGATTACAGGCGTGAGCCACCGCGCCCGGCCGGAATATTCTTT, p.Phe22508_Arg22509insPhePhePhePhePhePheXaaXaaXaaXaaProHisAspProProAlaSerAlaSerGlnSerAlaGlyIleThrGlyValSerHisArgAlaArgProGluTyrSerPhe (NM_133437.4).
Identifiers: ClinVar variation 4785252 (VCV004785252.1).